The following is an entry in ClinVar:

NM_007294.4(BRCA1):c.1241A>G (p.Asp414Gly)

Gene: BRCA1 (BRCA1 DNA repair associated; minus strand). Cytogenetic location: 17q21.31.
Variant type: single nucleotide variant.
Coding change: c.1241A>G on transcript NM_007294.4 (MANE Select); coding-DNA position 1241, A replaced by G.
Protein change: p.Asp414Gly; replaces aspartic acid 414 with glycine.
Molecular consequence: missense variant. On other transcripts: intron variant (137).
Genome position (GRCh38, 1-based): chr17:43,094,290, T>C on the plus strand (A>G on the coding strand, the complement: BRCA1 is on the minus strand). VCF-style: chr17-43094290-T-C. GRCh37 (hg19) VCF-style: chr17-41246307-T-C.
Other names: c.1241A>G, p.Asp414Gly (NM_001407642.1, NM_001407652.1, NM_001407641.1 and 30 more transcripts); c.1238A>G, p.Asp413Gly (NM_001407644.1, NM_001407645.1, NM_001407631.1 and 22 more transcripts); c.1232A>G, p.Asp411Gly (NM_001407646.1, NM_001407647.1); c.1118A>G, p.Asp373Gly (NM_001407648.1, NM_001407664.1, NM_001407665.1 and 19 more transcripts); c.1115A>G, p.Asp372Gly (NM_001407649.1, NM_001407670.1, NM_001407671.1 and 11 more transcripts); c.1163A>G, p.Asp388Gly (NM_001407653.1, NM_001407663.1, NM_001407654.1 and 4 more transcripts); c.1100A>G, p.Asp367Gly (NM_001407727.1, NM_001407728.1, NM_001407729.1 and 29 more transcripts); c.1097A>G, p.Asp366Gly (NM_001407746.1, NM_001407747.1, NM_001407748.1 and 20 more transcripts); and 40 more; short protein forms D286G, D303G, D344G, D387G, D414G, D118G, D325G, D326G.
Identifiers: ClinVar variation 2730714 (VCV002730714.3), dbSNP rs1555592086, ClinGen allele CA10599570.

ClinVar aggregate classification (germline): Uncertain significance (1 of 4 stars; one submission).

Conditions:
Hereditary breast ovarian cancer syndrome. Also called: Hereditary breast and ovarian cancer syndrome (HBOC); Hereditary breast and/or ovarian cancer syndrome; Hereditary breast and ovarian cancer; Hereditary breast and ovarian cancer syndrome; Breast and ovarian cancer; BRCA1- and BRCA2-Associated Hereditary Breast and Ovarian Cancer. Identifiers: Orphanet 145, MedGen C0677776, MeSH D061325, MONDO:0003582. Disease mechanism: loss of function.

Submission:

Labcorp Genetics (formerly Invitae), Labcorp
Classification: Uncertain significance for Hereditary breast ovarian cancer syndrome. Last evaluated: 2023-06-27. Review status: criteria provided, single submitter. Criteria: Invitae Variant Classification Sherloc (09022015). Collection method: clinical testing. Allele origin: germline.
Comment: In summary, the available evidence is currently insufficient to determine the role of this variant in disease. Therefore, it has been classified as a Variant of Uncertain Significance. Advanced modeling of protein sequence and biophysical properties (such as structural, functional, and spatial information, amino acid conservation, physicochemical variation, residue mobility, and thermodynamic stability) performed at Invitae indicates that this missense variant is not expected to disrupt BRCA1 protein function. This variant has not been reported in the literature in individuals affected with BRCA1-related conditions. This variant is not present in population databases (gnomAD no frequency). This sequence change replaces aspartic acid, which is acidic and polar, with glycine, which is neutral and non-polar, at codon 414 of the BRCA1 protein (p.Asp414Gly).